The following is an entry in ClinVar:

ClinVar aggregate classification (germline): Likely benign (0 of 4 stars; one submission).

Conditions:
PHYKPL-related disorder. Also called: PHYKPL-related condition.

Allele frequency attached by ClinVar (database versions not stated): TOPMed 0.00009; ESP Exome Variant Server 0.00038.

Submission:

PreventionGenetics, part of Exact Sciences
Classification: Likely benign for PHYKPL-related condition. Last evaluated: 2019-07-15. Review status: no assertion criteria provided. Collection method: clinical testing. Allele origin: germline.
Comment: This variant is classified as likely benign based on ACMG/AMP sequence variant interpretation guidelines (Richards et al. 2015 PMID: 25741868, with internal and published modifications).

NM_153373.4(PHYKPL):c.1068C>T (p.Ile356=)

Gene: PHYKPL (5-phosphohydroxy-L-lysine phospho-lyase; minus strand). Cytogenetic location: 5q35.3.
Variant type: single nucleotide variant.
Coding change: c.1068C>T on transcript NM_153373.4 (MANE Select); coding-DNA position 1068, C replaced by T.
Protein change: p.Ile356=; no amino-acid change (isoleucine 356 retained).
Molecular consequence: synonymous variant. On other transcripts: non-coding transcript variant (2).
Genome position (GRCh38, 1-based): chr5:178,215,290, G>A on the plus strand (C>T on the coding strand, the complement: PHYKPL is on the minus strand). VCF-style: chr5-178215290-G-A. GRCh37 (hg19) VCF-style: chr5-177642291-G-A.
Other names: c.945C>T, p.Ile315= (NM_001278346.1); c.243C>T, p.Ile81= (NM_032921.1).
Identifiers: ClinVar variation 3050453 (VCV003050453.2), dbSNP rs148658218, ClinGen allele CA3590064.